The following is an entry in ClinVar:

NM_006180.6(NTRK2):c.1195G>A (p.Asp399Asn)

Gene: NTRK2 (neurotrophic receptor tyrosine kinase 2; plus strand). Cytogenetic location: 9q21.33.
Variant type: single nucleotide variant.
Coding change: c.1195G>A on transcript NM_006180.6 (MANE Select); coding-DNA position 1195, G replaced by A.
Protein change: p.Asp399Asn; replaces aspartic acid 399 with asparagine.
Molecular consequence: missense variant. On other transcripts: intron variant (1).
Genome position (GRCh38, 1-based): chr9:84,741,927, G>A. VCF-style: chr9-84741927-G-A. GRCh37 (hg19) VCF-style: chr9-87356842-G-A.
Other names: c.1195G>A, p.Asp399Asn (NM_001007097.3, NM_001018064.3, NM_001018065.2 and 15 more transcripts); c.1156G>A, p.Asp386Asn (NM_001291937.2, NM_001369546.1); c.727G>A, p.Asp243Asn (NM_001369535.1, NM_001369536.1, NM_001369550.1 and 2 more transcripts); c.1160-3046G>A (NM_001369534.1); short protein forms D243N, D386N, D399N.
Identifiers: ClinVar variation 4976134 (VCV004976134.1).
Genomic context (GRCh38, chr9:84,741,927, plus strand): 5'-ATCTTTGCTCTGTTTTGCCTTTTAGGTGCAAACCCAAATTATCCTGATGTAATTTATGAA[G>A]GTAGCTATCGTGTTTTCTACTTTGTATTTCTTTTTCAAAATGTTTGTGTATCATGAAGTA-3'
Protein context (NP_006171.2, residues 389-409): NPNYPDVIYE[Asp399Asn]YGTAANDIGD

ClinVar aggregate classification (germline): Uncertain significance (1 of 4 stars; one submission).

Submission:

GeneDx
Classification: Uncertain significance. Last evaluated: 2026-02-06. Review status: criteria provided, single submitter. Criteria: GeneDx Variant Classification Process June 2021. Collection method: clinical testing. Allele origin: germline.
Comment: Not observed at significant frequency in large population cohorts (gnomAD); In silico analyses suggest that this missense variant does not alter protein structure/function but support a deleterious effect on splicing; Has not been previously published as pathogenic or benign to our knowledge